The following is an entry in ClinVar:

NM_004963.4(GUCY2C):c.830+1G>A

Genes: GUCY2C (guanylate cyclase 2C; minus strand), GUCY2C-AS1 (GUCY2C antisense RNA 1; plus strand). Cytogenetic location: 12p12.3.
Variant type: single nucleotide variant.
Coding change: c.830+1G>A on transcript NM_004963.4 (MANE Select); the canonical splice donor site of the intron after coding-DNA position 830, G replaced by A.
Molecular consequence: splice donor variant.
Genome position (GRCh38, 1-based): chr12:14,679,656, C>T on the plus strand (G>A on the coding strand, the complement: GUCY2C is on the minus strand). VCF-style: chr12-14679656-C-T. GRCh37 (hg19) VCF-style: chr12-14832590-C-T.
Identifiers: ClinVar variation 4761418 (VCV004761418.1).
Genomic context (GRCh38, chr12:14,679,656, plus strand): 5'-GGAAATCCTTGGAATACTTCCTTTTTGAAAGGAGGAGGGTTTTTCCAAATGTTATACCTA[C>T]TTGAAAAGATCCACTAGAATAATGACAATGTCTTCAGCCACTGCTCGGTCACCCTTCAGC-3'

ClinVar aggregate classification (germline): Uncertain significance (1 of 4 stars; one submission).

gnomAD v4.1: 4 of 1,462,968 alleles (0.00027%); highest among the groups gnomAD compares: Non-Finnish European, 0.00038%; no homozygotes.

Submission:

Labcorp Genetics (formerly Invitae), Labcorp
Classification: Uncertain significance. Last evaluated: 2025-08-17. Review status: criteria provided, single submitter. Criteria: Invitae Variant Classification Sherloc (09022015). Collection method: clinical testing. Allele origin: germline.
Comment: This sequence change affects a donor splice site in intron 6 of the GUCY2C gene. It is expected to disrupt RNA splicing. Variants that disrupt the donor or acceptor splice site typically lead to a loss of protein function (PMID: 16199547), however the current clinical and genetic evidence is not sufficient to establish whether loss-of-function variants in GUCY2C cause disease. This variant is not present in population databases (gnomAD no frequency). This variant has not been reported in the literature in individuals affected with GUCY2C-related conditions. Algorithms developed to predict the effect of sequence changes on RNA splicing suggest that this variant may disrupt the consensus splice site. In summary, the available evidence is currently insufficient to determine the role of this variant in disease. Therefore, it has been classified as a Variant of Uncertain Significance.

Literature cited by the submitters: PubMed 16199547.